The following is an entry in ClinVar:

ClinVar aggregate classification (germline): Uncertain significance (1 of 4 stars; one submission).

Conditions:
Familial cold autoinflammatory syndrome 4 (FCAS4). Identifiers: Orphanet 47045, Orphanet 576349, MedGen C4015276, MONDO:0014498, OMIM 616115.
Periodic fever-infantile enterocolitis-autoinflammatory syndrome. Also called: Autoinflammation with infantile enterocolitis. Identifiers: Orphanet 436166, MedGen C4015067, MONDO:0014472, OMIM 616050.

Allele frequency attached by ClinVar (database versions not stated): ESP Exome Variant Server 0.00008; 1000 Genomes Project 0.00020; gnomAD 0.00001; TOPMed 0.00003; 1000 Genomes Project 30x 0.00016.
gnomAD v4.1: 12 of 1,614,150 alleles (0.00074%); highest among the groups gnomAD compares: East Asian, 0.0045%; no homozygotes.

Submission:

Labcorp Genetics (formerly Invitae), Labcorp
Classification: Uncertain significance for Periodic fever-infantile enterocolitis-autoinflammatory syndrome; Familial cold autoinflammatory syndrome 4. Last evaluated: 2025-02-17. Review status: criteria provided, single submitter. Criteria: Invitae Variant Classification Sherloc (09022015). Collection method: clinical testing. Allele origin: germline.
Comment: This sequence change replaces alanine, which is neutral and non-polar, with threonine, which is neutral and polar, at codon 305 of the NLRC4 protein (p.Ala305Thr). This variant is present in population databases (rs374259187, gnomAD 0.01%). This variant has not been reported in the literature in individuals affected with NLRC4-related conditions. ClinVar contains an entry for this variant (Variation ID: 856359). Invitae Evidence Modeling of protein sequence and biophysical properties (such as structural, functional, and spatial information, amino acid conservation, physicochemical variation, residue mobility, and thermodynamic stability) indicates that this missense variant is not expected to disrupt NLRC4 protein function with a negative predictive value of 80%. In summary, the available evidence is currently insufficient to determine the role of this variant in disease. Therefore, it has been classified as a Variant of Uncertain Significance.

NM_001199138.2(NLRC4):c.913G>A (p.Ala305Thr)

Gene: NLRC4 (NLR family CARD domain containing 4; minus strand). Cytogenetic location: 2p22.3.
Variant type: single nucleotide variant.
Coding change: c.913G>A on transcript NM_001199138.2 (MANE Select); coding-DNA position 913, G replaced by A.
Protein change: p.Ala305Thr; replaces alanine 305 with threonine.
Molecular consequence: missense variant. On other transcripts: intron variant (1).
Genome position (GRCh38, 1-based): chr2:32,250,951, C>T on the plus strand (G>A on the coding strand, the complement: NLRC4 is on the minus strand). VCF-style: chr2-32250951-C-T. GRCh37 (hg19) VCF-style: chr2-32476020-C-T.
Other names: c.913G>A, p.Ala305Thr (NM_001199139.2, NM_021209.5); c.262+1468G>A (NM_001302504.1); short protein forms A305T.
Identifiers: ClinVar variation 856359 (VCV000856359.10), dbSNP rs374259187, ClinGen allele CA1602062.